The following is an entry in ClinVar:

ClinVar aggregate classification (germline): Uncertain significance (1 of 4 stars; one submission).

Submission:

GeneDx
Classification: Uncertain significance. Last evaluated: 2024-11-13. Review status: criteria provided, single submitter. Criteria: GeneDx Variant Classification Process June 2021. Collection method: clinical testing. Allele origin: germline. Affected: yes.
Comment: Not observed at significant frequency in large population cohorts (gnomAD); In silico analysis indicates that this missense variant does not alter protein structure/function; Has not been previously published as pathogenic or benign to our knowledge.

NM_015100.4(POGZ):c.4189T>G (p.Phe1397Val)

Gene: POGZ (pogo transposable element derived with ZNF domain; minus strand). Cytogenetic location: 1q21.3.
Variant type: single nucleotide variant.
Coding change: c.4189T>G on transcript NM_015100.4 (MANE Select); coding-DNA position 4189, T replaced by G.
Protein change: p.Phe1397Val; replaces phenylalanine 1397 with valine.
Molecular consequence: missense variant.
Genome position (GRCh38, 1-based): chr1:151,404,846, A>C on the plus strand (T>G on the coding strand, the complement: POGZ is on the minus strand). VCF-style: chr1-151404846-A-C. GRCh37 (hg19) VCF-style: chr1-151377322-A-C.
Other names: c.4162T>G, p.Phe1388Val (NM_001194937.2); c.4003T>G, p.Phe1335Val (NM_001194938.2); c.4210T>G, p.Phe1404Val (NM_001410860.1); c.3904T>G, p.Phe1302Val (NM_145796.4); c.4030T>G, p.Phe1344Val (NM_207171.2); short protein forms F1302V, F1335V, F1344V, F1388V, F1397V, F1404V.
Identifiers: ClinVar variation 3899685 (VCV003899685.1).